The following is an entry in ClinVar:

NM_015041.3(CLUAP1):c.391G>T (p.Gly131Cys)

Gene: CLUAP1 (clusterin associated protein 1; plus strand). Cytogenetic location: 16p13.3.
Variant type: single nucleotide variant.
Coding change: c.391G>T on transcript NM_015041.3 (MANE Select); coding-DNA position 391, G replaced by T.
Protein change: p.Gly131Cys; replaces glycine 131 with cysteine.
Molecular consequence: missense variant.
Genome position (GRCh38, 1-based): chr16:3,508,460, G>T. VCF-style: chr16-3508460-G-T. GRCh37 (hg19) VCF-style: chr16-3558460-G-T.
Other names: c.391G>T, p.Gly131Cys (NM_001330454.2); short protein forms G131C.
Identifiers: ClinVar variation 858120 (VCV000858120.7), dbSNP rs112533443, ClinGen allele CA7863700.
Genomic context (GRCh38, chr16:3,508,460, plus strand): 5'-AAGGGGATGGAGGGCTCTGAAATAGTAGAGGAAGATGTCAACAAGTTCAAGTTTGATCTT[G>T]GCTCAAAGGTAAGGACAACAAAAGCCTTGTAGTGGGCGATGGAGCGTTGATTTCTTGAGC-3'
Protein context (NP_055856.1, residues 121-141): EDVNKFKFDL[Gly131Cys]SKIADLKAAR

ClinVar aggregate classification (germline): Uncertain significance (1 of 4 stars; one submission).

Allele frequency attached by ClinVar (database versions not stated): gnomAD exomes 0.00010; ExAC 0.00015; gnomAD 0.00040 and 0.00046; TOPMed 0.00051; ESP Exome Variant Server 0.00062.

Submission:

Labcorp Genetics (formerly Invitae), Labcorp
Classification: Uncertain significance. Last evaluated: 2026-01-14. Review status: criteria provided, single submitter. Criteria: Invitae Variant Classification Sherloc (09022015). Collection method: clinical testing. Allele origin: germline.
Comment: This sequence change replaces glycine, which is neutral and non-polar, with cysteine, which is neutral and slightly polar, at codon 131 of the CLUAP1 protein (p.Gly131Cys). This variant is present in population databases (rs112533443, gnomAD 0.1%), and has an allele count higher than expected for a pathogenic variant. This variant has not been reported in the literature in individuals affected with CLUAP1-related conditions. ClinVar contains an entry for this variant (Variation ID: 858120). Invitae Evidence Modeling of protein sequence and biophysical properties (such as structural, functional, and spatial information, amino acid conservation, physicochemical variation, residue mobility, and thermodynamic stability) indicates that this missense variant is expected to disrupt CLUAP1 protein function with a positive predictive value of 80%. In summary, the available evidence is currently insufficient to determine the role of this variant in disease. Therefore, it has been classified as a Variant of Uncertain Significance.